The following is an entry in ClinVar:

NM_000038.6(APC):c.1958+27del

Gene: APC (APC regulator of Wnt signaling pathway; plus strand). Cytogenetic location: 5q22.2.
Variant type: Deletion.
Coding change: c.1958+27del on transcript NM_000038.6 (MANE Select); 27 bases into the intron after coding-DNA position 1958, one base deleted (T; older notation c.1958+27delT).
Molecular consequence: intron variant.
Genome position (GRCh38, 1-based): chr5:112,835,192, T deleted; the last of 4 consecutive T bases (chr5:112,835,189-112,835,192); deleting any one gives the same sequence. VCF-style (leftmost placement, unchanged base first): chr5-112835188-CT-C. GRCh37 (hg19) VCF-style: chr5-112170885-CT-C.
Other names: c.1958+27del (NM_001354895.2, NM_001127510.3); c.1988+27del (NM_001354897.2); c.1685+27del (NM_001354902.2); c.1904+27del (NM_001127511.3); c.1883+27del (NM_001354898.2); c.1580+27del (NM_001354904.2); c.1109+27del (NM_001354906.2); c.2012+27del (NM_001354896.2); and 6 more.
Identifiers: ClinVar variation 548781 (VCV000548781.3), dbSNP rs1402242990, ClinGen allele CA562217601.
Genomic context (GRCh38, chr5:112,835,188, plus strand): 5'-AATGTGTCCAGCTTGATAGCTACAAATGAGGACCACAGGTATATATAGAGTTTTATATTA[CT>C]TTTAAAGTACAGAATTCATACTCTCAAAAAGACCTAATTGTAAGCAATGTTTTATATAAT-3'

ClinVar aggregate classification (germline): Benign. Review status: criteria provided, single submitter (1 of 4 stars). 2 submissions from 2 submitters: Benign (1). 1 of the submissions does not count toward it. Last evaluated 2023-02-13.

Conditions:
Familial adenomatous polyposis 1 (FAP1). Also called: FAMILIAL ADENOMATOUS POLYPOSIS 1, ATTENUATED; POLYPOSIS, ADENOMATOUS INTESTINAL. Identifiers: MedGen C2713442, MONDO:0021056, OMIM 175100. Disease mechanism: loss of function.

Submissions (2):

Myriad Genetics, Inc.
Classification: Benign for Familial adenomatous polyposis 1. Last evaluated: 2023-02-13. Review status: criteria provided, single submitter. Criteria: Myriad Autosomal Dominant, Autosomal Recessive and X-Linked Classification Criteria (2023). Collection method: clinical testing. Allele origin: unknown.
Comment: This variant is considered benign. This variant is intronic and is not expected to impact mRNA splicing.

Counsyl
Classification: Likely benign for Familial adenomatous polyposis 1. Last evaluated: 2017-08-22. Review status: no assertion criteria provided. Collection method: clinical testing. Allele origin: unknown. Not counted in ClinVar's aggregate classification.